The following is an entry in ClinVar:

NM_003839.4(TNFRSF11A):c.1016G>C (p.Ser339Thr)

Gene: TNFRSF11A (TNF receptor superfamily member 11a; plus strand). Cytogenetic location: 18q21.33.
Variant type: single nucleotide variant.
Coding change: c.1016G>C on transcript NM_003839.4 (MANE Select); coding-DNA position 1016, G replaced by C.
Protein change: p.Ser339Thr; replaces serine 339 with threonine.
Molecular consequence: missense variant. On other transcripts: intron variant (3).
Genome position (GRCh38, 1-based): chr18:62,368,933, G>C. VCF-style: chr18-62368933-G-C. GRCh37 (hg19) VCF-style: chr18-60036166-G-C.
Other names: c.974G>C, p.Ser325Thr (NM_001278268.2); c.783+2173G>C (NM_001270949.2); c.730+7140G>C (NM_001270950.2); c.616+8884G>C (NM_001270951.2); short protein forms S339T, S325T.
Identifiers: ClinVar variation 2119818 (VCV002119818.4), dbSNP rs1328963759, ClinGen allele CA402616658.

ClinVar aggregate classification (germline): Uncertain significance (1 of 4 stars; one submission).

Submission:

Labcorp Genetics (formerly Invitae), Labcorp
Classification: Uncertain significance. Last evaluated: 2022-12-04. Review status: criteria provided, single submitter. Criteria: Invitae Variant Classification Sherloc (09022015). Collection method: clinical testing. Allele origin: germline.
Comment: In summary, the available evidence is currently insufficient to determine the role of this variant in disease. Therefore, it has been classified as a Variant of Uncertain Significance. This variant has not been reported in the literature in individuals affected with TNFRSF11A-related conditions. This variant is not present in population databases (gnomAD no frequency). This sequence change replaces serine, which is neutral and polar, with threonine, which is neutral and polar, at codon 339 of the TNFRSF11A protein (p.Ser339Thr). Algorithms developed to predict the effect of missense changes on protein structure and function output the following: SIFT: "Tolerated"; PolyPhen-2: "Benign"; Align-GVGD: "Class C0". The threonine amino acid residue is found in multiple mammalian species, which suggests that this missense change does not adversely affect protein function.